The following is an entry in ClinVar:

NM_004364.5(CEBPA):c.439T>C (p.Tyr147His)

Gene: CEBPA (CCAAT enhancer binding protein alpha; minus strand). Cytogenetic location: 19q13.11.
Variant type: single nucleotide variant.
Coding change: c.439T>C on transcript NM_004364.5 (MANE Select); coding-DNA position 439, T replaced by C.
Protein change: p.Tyr147His; replaces tyrosine 147 with histidine.
Molecular consequence: missense variant.
Genome position (GRCh38, 1-based): chr19:33,301,976, A>G on the plus strand (T>C on the coding strand, the complement: CEBPA is on the minus strand). VCF-style: chr19-33301976-A-G. GRCh37 (hg19) VCF-style: chr19-33792882-A-G.
Other names: c.82T>C, p.Tyr28His (NM_001285829.2); c.544T>C, p.Tyr182His (NM_001287424.2); c.397T>C, p.Tyr133His (NM_001287435.2); short protein forms Y28H, Y147H, Y133H, Y182H.
Identifiers: ClinVar variation 2120026 (VCV002120026.5), dbSNP rs2145262105, ClinGen allele CA405274952.

ClinVar aggregate classification (germline): Uncertain significance. Review status: criteria provided, multiple submitters, no conflicts (2 of 4 stars). 2 submissions from 2 submitters: Uncertain significance (2). Last evaluated 2025-08-30.

Conditions:
Inborn genetic diseases. Identifiers: MedGen C0950123, MeSH D030342.
Acute myeloid leukemia (AML). Also called: Acute myeloid leukemia, adult; AML adult; Acute non-lymphocytic leukemia; Acute granulocytic leukemia; Leukemia, acute myeloid, somatic; Leukemia, acute myelogenous, somatic. Identifiers: Orphanet 519, MedGen C0023467, MeSH D015470, MONDO:0018874, OMIM 601626, HP:0004808. Disease mechanism: Constitutively activated FLT3.

Allele frequency attached by ClinVar (database versions not stated): gnomAD exomes below 0.00001.

Submissions (2):

Ambry Genetics
Classification: Uncertain significance for Inborn genetic diseases. Last evaluated: 2025-08-30. Review status: criteria provided, single submitter. Criteria: Ambry Variant Classification Scheme 2023. Collection method: clinical testing. Allele origin: germline.
Comment: The p.Y147H variant (also known as c.439T>C), located in coding exon 1 of the CEBPA gene, results from a T to C substitution at nucleotide position 439. The tyrosine at codon 147 is replaced by histidine, an amino acid with similar properties. This amino acid position is conserved. In addition, this alteration is predicted to be tolerated by in silico analysis. Based on the available evidence, the clinical significance of this variant remains unclear.

Labcorp Genetics (formerly Invitae), Labcorp
Classification: Uncertain significance for Acute myeloid leukemia. Last evaluated: 2022-05-02. Review status: criteria provided, single submitter. Criteria: Invitae Variant Classification Sherloc (09022015). Collection method: clinical testing. Allele origin: germline.
Comment: In summary, the available evidence is currently insufficient to determine the role of this variant in disease. Therefore, it has been classified as a Variant of Uncertain Significance. Algorithms developed to predict the effect of missense changes on protein structure and function are either unavailable or do not agree on the potential impact of this missense change (SIFT: "Tolerated"; PolyPhen-2: "Possibly Damaging"; Align-GVGD: "Class C0"). This variant has not been reported in the literature in individuals affected with CEBPA-related conditions. The frequency data for this variant in the population databases is considered unreliable, as metrics indicate insufficient coverage at this position in the gnomAD database. This sequence change replaces tyrosine, which is neutral and polar, with histidine, which is basic and polar, at codon 147 of the CEBPA protein (p.Tyr147His).